The following is an entry in ClinVar:

ClinVar aggregate classification (germline): Pathogenic (1 of 4 stars; one submission).

Conditions:
Multiple sulfatase deficiency (MSD). Also called: Mucosulfatidosis; Multiple Sulfatase Deficiency Disease; Sulfatidosis, Juvenile, Austin Type. Identifiers: Orphanet 585, MedGen C0268263, MONDO:0010088, OMIM 272200.

Submission:

Myriad Genetics, Inc.
Classification: Pathogenic for Multiple sulfatase deficiency. Last evaluated: 2024-05-14. Review status: criteria provided, single submitter. Criteria: Myriad Autosomal Dominant, Autosomal Recessive and X-Linked Classification Criteria (2023). Collection method: clinical testing. Allele origin: unknown.
Comment: NM_182760.3(SUMF1):c.81_82ins14(L28Sfs*86) is expected to be pathogenic in the context of multiple sulfatase deficiency. This variant is predicted to lead to an abnormal or absent protein product due to the creation of a premature termination codon in SUMF1, a gene where loss-of-function variants are known to be pathogenic. Please note: this variant was assessed in the context of healthy population screening.

NM_182760.4(SUMF1):c.81_82insTCTCTTATACACAT (p.Leu28fs)

Gene: SUMF1 (sulfatase modifying factor 1; minus strand). Cytogenetic location: 3p26.1.
Variant type: Insertion.
Coding change: c.81_82insTCTCTTATACACAT on transcript NM_182760.4 (MANE Select); coding-DNA positions 81 to 82, TCTCTTATACACAT inserted.
Protein change: p.Leu28fs; shifts the reading frame from leucine 28.
Molecular consequence: frameshift variant.
Genome position: GRCh38 VCF-style: chr3-4467164-G-GATGTGTATAAGAGA. GRCh37 (hg19) VCF-style: chr3-4508848-G-GATGTGTATAAGAGA.
Other names: c.81_82insTCTCTTATACACAT, p.Leu28fs (NM_001164674.2, NM_001164675.2); short protein forms L28fs.
Identifiers: ClinVar variation 5016426 (VCV005016426.1).
Genomic context (GRCh38, chr3:4,467,164, plus strand): 5'-CCGCAAGGGACCCCGCGCCCGCACCGGTCCCGGCCTCCTGGCTCCCTGCCGCTCCACACA[G>GATGTGTATAAGAGA]CAGCGAGAGCAGCAGCAGCAAGAGGACGAGACCCAGCTCAGGGCAACGTCCACACACCAG-3'